The following is an entry in ClinVar:

NM_001040108.2(MLH3):c.3449T>G (p.Phe1150Cys)

Gene: MLH3 (mutL homolog 3; minus strand). Cytogenetic location: 14q24.3.
Variant type: single nucleotide variant.
Coding change: c.3449T>G on transcript NM_001040108.2 (MANE Select); coding-DNA position 3449, T replaced by G.
Protein change: p.Phe1150Cys; replaces phenylalanine 1150 with cysteine.
Molecular consequence: missense variant.
Genome position (GRCh38, 1-based): chr14:75,041,631, A>C on the plus strand (T>G on the coding strand, the complement: MLH3 is on the minus strand). VCF-style: chr14-75041631-A-C. GRCh37 (hg19) VCF-style: chr14-75508334-A-C.
Other names: c.3449T>G, p.Phe1150Cys (NM_014381.3); short protein forms F1150C.
Identifiers: ClinVar variation 4055477 (VCV004055477.1).

ClinVar aggregate classification (germline): Uncertain significance (1 of 4 stars; one submission).

Submission:

Ambry Genetics
Classification: Uncertain significance. Last evaluated: 2025-04-07. Review status: criteria provided, single submitter. Criteria: Ambry Variant Classification Scheme 2023. Collection method: clinical testing. Allele origin: germline.
Comment: The p.F1150C variant (also known as c.3449T>G), located in coding exon 3 of the MLH3 gene, results from a T to G substitution at nucleotide position 3449. The phenylalanine at codon 1150 is replaced by cysteine, an amino acid with highly dissimilar properties. This amino acid position is conserved. In addition, this alteration is predicted to be deleterious by in silico analysis. Based on the available evidence, the clinical significance of this variant remains unclear.